The following is an entry in ClinVar:

NM_032638.5(GATA2):c.1018-19C>T

Gene: GATA2 (GATA binding protein 2; minus strand). Cytogenetic location: 3q21.3.
Variant type: single nucleotide variant.
Coding change: c.1018-19C>T on transcript NM_032638.5 (MANE Select); 19 bases into the intron before coding-DNA position 1018, C replaced by T.
Molecular consequence: intron variant.
Genome position (GRCh38, 1-based): chr3:128,481,963, G>A on the plus strand (C>T on the coding strand, the complement: GATA2 is on the minus strand). VCF-style: chr3-128481963-G-A. GRCh37 (hg19) VCF-style: chr3-128200806-G-A.
Other names: p.?; c.1018-61C>T (NM_001145662.1); c.1018-19C>T (NM_001145661.2).
Identifiers: ClinVar variation 257561 (VCV000257561.37), dbSNP rs11708606, ClinGen allele CA2599885.

ClinVar aggregate classification (germline): Benign/Likely benign. Review status: criteria provided, multiple submitters, no conflicts (2 of 4 stars). 15 submissions from 14 submitters: Benign (10); Likely benign (1). 4 of the submissions do not count toward it. Last evaluated 2026-02-04.

Conditions:
Deafness-lymphedema-leukemia syndrome. Also called: Lymphedema, primary, with myelodysplasia; Emberger syndrome. Identifiers: Orphanet 3226, MedGen C3279664, MONDO:0013540, OMIM 614038.
Monocytopenia with susceptibility to infections. Also called: IMMUNODEFICIENCY 21; MONOCYTOPENIA AND MYCOBACTERIAL INFECTION SYNDROME; MONOCYTOPENIA WITH SUSCEPTIBILITY TO MYCOBACTERIAL, FUNGAL, AND PAPILLOMAVIRUS INFECTIONS AND MYELODYSPLASIA; COMBINED IMMUNODEFICIENCY WITH SUSCEPTIBILITY TO MYCOBACTERIAL, VIRAL, AND FUNGAL INFECTIONS; Dendritic cell, monocyte, B lymphocyte, and natural killer lymphocyte deficiency; GATA2 DEFICIENCY. Identifiers: Orphanet 228423, MedGen C3280030, MONDO:0013607, OMIM 614172.

Allele frequency attached by ClinVar (database versions not stated): 1000 Genomes Project 0.12300; 1000 Genomes Project 30x 0.12586; gnomAD exomes 0.15640; ExAC 0.16277; TOPMed 0.17321; gnomAD 0.17368 and 0.17884; ESP Exome Variant Server 0.18515.
gnomAD v4.1: 289,900 of 1,611,562 alleles (18%); highest among the groups gnomAD compares: Non-Finnish European, 20%; 27,415 homozygotes.

Submissions (15):

Labcorp Genetics (formerly Invitae), Labcorp
Classification: Benign for Monocytopenia with susceptibility to infections; Deafness-lymphedema-leukemia syndrome. Last evaluated: 2026-02-04. Review status: criteria provided, single submitter. Criteria: Invitae Variant Classification Sherloc (09022015). Collection method: clinical testing. Allele origin: germline.

ARUP Laboratories, Molecular Genetics and Genomics, ARUP Laboratories
Classification: Benign. Last evaluated: 2025-07-21. Review status: criteria provided, single submitter. Criteria: ARUP Molecular Germline Variant Investigation Process 2024. Collection method: clinical testing. Allele origin: germline.

Blueprint Genetics
Classification: Likely benign. Last evaluated: 2024-11-26. Review status: criteria provided, single submitter. Criteria: ACMG Guidelines, 2015. Collection method: clinical testing. Allele origin: germline.

Unidad de Genómica Garrahan, Hospital de Pediatría Garrahan
Classification: Benign. Last evaluated: 2023-11-12. Review status: criteria provided, single submitter. Criteria: ACMG Guidelines, 2015. Collection method: clinical testing. Allele origin: germline. Affected: no. Observed: 23 variant alleles.
Comment: This variant is classified as Benign based on local population frequency. This variant was detected in 24% of patients studied by a panel of primary immunodeficiencies. Number of patients: 23. Only high quality variants are reported.

Mayo Clinic Laboratories, Mayo Clinic
Classification: Benign. Last evaluated: 2022-09-29. Review status: criteria provided, single submitter. Criteria: ACMG Guidelines, 2015. Collection method: clinical testing. Allele origin: germline. Observed: 826 variant alleles.

Genome-Nilou Lab
Classification: Benign for Deafness-lymphedema-leukemia syndrome. Last evaluated: 2021-08-10. Review status: criteria provided, single submitter. Criteria: ACMG Guidelines, 2015. Collection method: clinical testing. Allele origin: germline. Affected: no.

Genome-Nilou Lab
Classification: Benign for Monocytopenia with susceptibility to infections. Last evaluated: 2021-08-10. Review status: criteria provided, single submitter. Criteria: ACMG Guidelines, 2015. Collection method: clinical testing. Allele origin: germline. Affected: no.

GeneDx
Classification: Benign. Last evaluated: 2018-09-14. Review status: criteria provided, single submitter. Criteria: GeneDx Variant Classification Process June 2021. Collection method: clinical testing. Allele origin: germline. Affected: yes.

PreventionGenetics, part of Exact Sciences
Classification: Benign. Last evaluated: 2018-04-03. Review status: criteria provided, single submitter. Criteria: ACMG Guidelines, 2015. Collection method: clinical testing. Allele origin: germline.

Eurofins Ntd Llc (ga)
Classification: Benign. Last evaluated: 2016-10-31. Review status: criteria provided, single submitter. Criteria: EGL Classification Definitions 2015. Collection method: clinical testing. Allele origin: germline. Observed: 1 variant allele, 1 heterozygote.

Breakthrough Genomics
Classification: Benign. Review status: criteria provided, single submitter. Criteria: ACMG Guidelines, 2015. Collection method: not provided. Allele origin: germline. Inheritance: Autosomal dominant inheritance. Affected: yes.

Clinical Genetics DNA and cytogenetics Diagnostics Lab, Erasmus MC, Erasmus Medical Center
Classification: Benign. Review status: no assertion criteria provided. Collection method: clinical testing. Allele origin: germline. Affected: yes. Study: VKGL Data-share Consensus. Not counted in ClinVar's aggregate classification.

Clinical Genetics, Academic Medical Center
Classification: Benign. Review status: no assertion criteria provided. Collection method: clinical testing. Allele origin: germline. Affected: yes. Study: VKGL Data-share Consensus. Not counted in ClinVar's aggregate classification.

Genome Diagnostics Laboratory, University Medical Center Utrecht
Classification: Benign. Review status: no assertion criteria provided. Collection method: clinical testing. Allele origin: germline. Affected: yes. Study: VKGL Data-share Consensus. Not counted in ClinVar's aggregate classification.

Joint Genome Diagnostic Labs from Nijmegen and Maastricht, Radboudumc and MUMC+
Classification: Benign. Review status: no assertion criteria provided. Collection method: clinical testing. Allele origin: germline. Affected: yes. Study: VKGL Data-share Consensus. Not counted in ClinVar's aggregate classification.